The following is an entry in ClinVar:

NM_016008.4(DYNC2LI1):c.365A>G (p.Asp122Gly)

Gene: DYNC2LI1 (dynein cytoplasmic 2 light intermediate chain 1; plus strand). Cytogenetic location: 2p21.
Variant type: single nucleotide variant.
Coding change: c.365A>G on transcript NM_016008.4 (MANE Select); coding-DNA position 365, A replaced by G.
Protein change: p.Asp122Gly; replaces aspartic acid 122 with glycine.
Molecular consequence: missense variant.
Genome position (GRCh38, 1-based): chr2:43,794,501, A>G. VCF-style: chr2-43794501-A-G. GRCh37 (hg19) VCF-style: chr2-44021640-A-G.
Other names: c.365A>G, p.Asp122Gly (NM_001193464.2, NM_001348912.2, NM_001348913.2 and 1 more transcripts); short protein forms D122G.
Identifiers: ClinVar variation 1367833 (VCV001367833.8), dbSNP rs1447069959, ClinGen allele CA346657169.

ClinVar aggregate classification (germline): Uncertain significance (1 of 4 stars; one submission).

gnomAD v4.1: 1 of 1,613,932 alleles (0.000062%); highest among the groups gnomAD compares: Admixed American, 0.0017%; no homozygotes.

Submission:

Labcorp Genetics (formerly Invitae), Labcorp
Classification: Uncertain significance. Last evaluated: 2025-04-07. Review status: criteria provided, single submitter. Criteria: Invitae Variant Classification Sherloc (09022015). Collection method: clinical testing. Allele origin: germline.
Comment: This sequence change replaces aspartic acid, which is acidic and polar, with glycine, which is neutral and non-polar, at codon 122 of the DYNC2LI1 protein (p.Asp122Gly). This variant is present in population databases (no rsID available, gnomAD 0.003%). This variant has not been reported in the literature in individuals affected with DYNC2LI1-related conditions. ClinVar contains an entry for this variant (Variation ID: 1367833). An algorithm developed to predict the effect of missense changes on protein structure and function (PolyPhen-2) suggests that this variant is likely to be tolerated. In summary, the available evidence is currently insufficient to determine the role of this variant in disease. Therefore, it has been classified as a Variant of Uncertain Significance.